The following is an entry in ClinVar:

ClinVar aggregate classification (germline): Uncertain significance. Review status: criteria provided, multiple submitters, no conflicts (2 of 4 stars). 2 submissions from 2 submitters: Uncertain significance (2). Last evaluated 2025-06-17.

Conditions:
CNOT1-related disorder. Also called: CNOT1-related condition.
Inborn genetic diseases. Identifiers: MedGen C0950123, MeSH D030342.

Allele frequency attached by ClinVar (database versions not stated): gnomAD exomes 0.00001; ESP Exome Variant Server 0.00008.

Submissions (2):

Ambry Genetics
Classification: Uncertain significance for Inborn genetic diseases. Last evaluated: 2025-06-17. Review status: criteria provided, single submitter. Criteria: Ambry Variant Classification Scheme 2023. Collection method: clinical testing. Allele origin: germline.

PreventionGenetics, part of Exact Sciences
Classification: Uncertain significance for CNOT1-related condition. Last evaluated: 2023-09-13. Review status: criteria provided, single submitter. Criteria: ACMG Guidelines, 2015. Collection method: clinical testing. Allele origin: germline.
Comment: The CNOT1 c.115C>T variant is predicted to result in the amino acid substitution p.His39Tyr. To our knowledge, this variant has not been reported in the literature. This variant is reported in 0.00089% of alleles in individuals of European (Non-Finnish) descent in gnomAD. At this time, the clinical significance of this variant is uncertain due to the absence of conclusive functional and genetic evidence.

NM_016284.5(CNOT1):c.115C>T (p.His39Tyr)

Gene: CNOT1 (CCR4-NOT transcription complex subunit 1; minus strand). Cytogenetic location: 16q21.
Variant type: single nucleotide variant.
Coding change: c.115C>T on transcript NM_016284.5 (MANE Select); coding-DNA position 115, C replaced by T.
Protein change: p.His39Tyr; replaces histidine 39 with tyrosine.
Molecular consequence: missense variant. On other transcripts: non-coding transcript variant (1).
Genome position (GRCh38, 1-based): chr16:58,588,894, G>A on the plus strand (C>T on the coding strand, the complement: CNOT1 is on the minus strand). VCF-style: chr16-58588894-G-A. GRCh37 (hg19) VCF-style: chr16-58622798-G-A.
Other names: c.115C>T, p.His39Tyr (NM_001265612.2, NM_206999.3); c.115C>T (NM_016284.3); short protein forms H39Y.
Identifiers: ClinVar variation 2631355 (VCV002631355.2), dbSNP rs137887991, ClinGen allele CA281686643.